The following is an entry in ClinVar:

NM_000110.4(DPYD):c.220C>T (p.Arg74Ter)

Gene: DPYD (dihydropyrimidine dehydrogenase; minus strand). Cytogenetic location: 1p21.3.
Variant type: single nucleotide variant.
Coding change: c.220C>T on transcript NM_000110.4 (MANE Select); coding-DNA position 220, C replaced by T.
Protein change: p.Arg74Ter; replaces arginine 74 with a stop codon.
Molecular consequence: nonsense.
Genome position (GRCh38, 1-based): chr1:97,828,127, G>A on the plus strand (C>T on the coding strand, the complement: DPYD is on the minus strand). VCF-style: chr1-97828127-G-A. GRCh37 (hg19) VCF-style: chr1-98293683-G-A.
Other names: c.220C>T, p.Arg74Ter (NM_001160301.1); short protein forms R74*.
Identifiers: ClinVar variation 370757 (VCV000370757.17), dbSNP rs189768576, ClinGen allele CA963764.

ClinVar aggregate classification (germline): Conflicting classifications of pathogenicity. Review status: criteria provided, conflicting classifications (1 of 4 stars). 5 submissions from 5 submitters: Likely pathogenic (2); Uncertain significance (1). 2 of the submissions do not count toward it. Last evaluated 2023-10-03.

Conditions:
Dihydropyrimidine dehydrogenase deficiency (DPYDD). Also called: Hereditary Thymine-Uraciluria; DPD DEFICIENCY; DPYD DEFICIENCY. Identifiers: Orphanet 1675, MedGen C1959620, MONDO:0010130, OMIM 274270.
DPYD-related disorder. Also called: DPYD-related condition.

Allele frequency attached by ClinVar (database versions not stated): TOPMed 0.00005; gnomAD 0.00006 and 0.00007; ExAC 0.00011; gnomAD exomes 0.00013; 1000 Genomes Project 0.00060; 1000 Genomes Project 30x 0.00062.
gnomAD v4.1: 47 of 1,613,534 alleles (0.0029%); highest among the groups gnomAD compares: East Asian, 0.071%; no homozygotes.

Submissions (5):

GeneDx
Classification: Uncertain significance. Last evaluated: 2023-10-03. Review status: criteria provided, single submitter. Criteria: GeneDx Variant Classification Process June 2021. Collection method: clinical testing. Allele origin: germline.
Comment: Nonsense variant predicted to result in protein truncation or nonsense mediated decay in a gene for which loss of function is a known mechanism of disease; Has not been previously published as pathogenic or benign to our knowledge; This variant is associated with the following publications: (PMID: 31589614)

New York Genome Center
Classification: Likely pathogenic for Dihydropyrimidine dehydrogenase deficiency. Last evaluated: 2020-06-12. Review status: criteria provided, single submitter. Criteria: NYGC Assertion Criteria 2020. Collection method: clinical testing. Allele origin: germline. Observed: 1 heterozygote. Study: CSER-NYCKidSeq.

Juno Genomics, Hangzhou Juno Genomics, Inc
Classification: Likely pathogenic for Dihydropyrimidine dehydrogenase deficiency. Review status: criteria provided, single submitter. Criteria: ACMG Guidelines, 2015. Collection method: clinical testing. Allele origin: germline.
Comment: Absent from controls (or at extremely low frequency if recessive) in Genome Aggregation Database.;Null variant in a gene where loss of function (LOF) is a known mechanism of disease.

PreventionGenetics, part of Exact Sciences
Classification: Pathogenic for DPYD-related condition. Last evaluated: 2024-05-27. Review status: no assertion criteria provided. Collection method: clinical testing. Allele origin: germline. Not counted in ClinVar's aggregate classification.
Comment: The DPYD c.220C>T variant is predicted to result in premature protein termination (p.Arg74*). To our knowledge, this variant has not been previously associated with DYPD-related disease. This variant is reported in 0.16% of alleles in individuals of East Asian descent in gnomAD. Nonsense variants in DPYD are expected to be pathogenic. This variant is interpreted as pathogenic.

Counsyl
Classification: Likely pathogenic for Dihydropyrimidine dehydrogenase deficiency. Last evaluated: 2016-04-05. Review status: no assertion criteria provided. Collection method: clinical testing. Allele origin: unknown. Not counted in ClinVar's aggregate classification.